The following is an entry in ClinVar:

NM_152296.5(ATP1A3):c.633A>T (p.Glu211Asp)

Gene: ATP1A3 (ATPase Na+/K+ transporting subunit alpha 3; minus strand). Cytogenetic location: 19q13.2.
Variant type: single nucleotide variant.
Coding change: c.633A>T on transcript NM_152296.5 (MANE Select); coding-DNA position 633, A replaced by T.
Protein change: p.Glu211Asp; replaces glutamic acid 211 with aspartic acid.
Molecular consequence: missense variant.
Genome position (GRCh38, 1-based): chr19:41,985,397, T>A on the plus strand (A>T on the coding strand, the complement: ATP1A3 is on the minus strand). VCF-style: chr19-41985397-T-A. GRCh37 (hg19) VCF-style: chr19-42489549-T-A.
Other names: c.666A>T, p.Glu222Asp (NM_001256213.2); c.672A>T, p.Glu224Asp (NM_001256214.2); short protein forms E222D, E211D, E224D.
Identifiers: ClinVar variation 2827941 (VCV002827941.3), dbSNP rs2514076878, ClinGen allele CA406054141.

ClinVar aggregate classification (germline): Uncertain significance (1 of 4 stars; one submission).

Conditions:
Dystonia 12 (DYT12). Also called: DYT-ATP1A3; Rapid-Onset Dystonia-Parkinsonism (RDP). Identifiers: Orphanet 71517, MedGen C1868681, MONDO:0007496, OMIM 128235.

Submission:

Labcorp Genetics (formerly Invitae), Labcorp
Classification: Uncertain significance for Dystonia 12. Last evaluated: 2023-01-12. Review status: criteria provided, single submitter. Criteria: Invitae Variant Classification Sherloc (09022015). Collection method: clinical testing. Allele origin: germline.
Comment: This variant has not been reported in the literature in individuals affected with ATP1A3-related conditions. This variant is not present in population databases (gnomAD no frequency). This sequence change replaces glutamic acid, which is acidic and polar, with aspartic acid, which is acidic and polar, at codon 211 of the ATP1A3 protein (p.Glu211Asp). In summary, the available evidence is currently insufficient to determine the role of this variant in disease. Therefore, it has been classified as a Variant of Uncertain Significance. Advanced modeling of protein sequence and biophysical properties (such as structural, functional, and spatial information, amino acid conservation, physicochemical variation, residue mobility, and thermodynamic stability) performed at Invitae indicates that this missense variant is expected to disrupt ATP1A3 protein function.